The following is an entry in ClinVar:

NC_000006.11:g.(?_2833842)_(3227777_?)del

Genes: SERPINB1 (serpin family B member 1; minus strand), BPHL (biphenyl hydrolase like; plus strand), NQO2 (N-ribosyldihydronicotinamide:quinone dehydrogenase 2; plus strand), RIPK1 (receptor interacting serine/threonine kinase 1; plus strand), SERPINB6 (serpin family B member 6; minus strand) and 3 more. Cytogenetic location: 6p25.2.
Variant type: Deletion.
Identifiers: ClinVar variation 2425169 (VCV002425169.4).

ClinVar aggregate classification (germline): Uncertain significance (1 of 4 stars; one submission).

Submission:

Labcorp Genetics (formerly Invitae), Labcorp
Classification: Uncertain significance. Last evaluated: 2022-09-19. Review status: criteria provided, single submitter. Criteria: Invitae Variant Classification Sherloc (09022015). Collection method: clinical testing. Allele origin: germline.
Comment: In summary, the available evidence is currently insufficient to determine the role of this variant in disease. Therefore, it has been classified as a Variant of Uncertain Significance. This variant has not been reported in the literature in individuals affected with SERPINB6-related conditions. A gross deletion of the genomic region encompassing the full coding sequence of the SERPINB6 gene has been identified. The current clinical and genetic evidence is not sufficient to establish whether loss-of-function variants in SERPINB6 cause disease. The boundaries of this event are unknown as they extend beyond the assayed region for this gene and therefore may encompass additional genes.